The following is an entry in ClinVar:

ClinVar aggregate classification (germline): Uncertain significance (1 of 4 stars; one submission).

Conditions:
Nance-Horan syndrome (NHS). Identifiers: Orphanet 627, MedGen C0796085, MONDO:0010545, OMIM 302350.

Submission:

Labcorp Genetics (formerly Invitae), Labcorp
Classification: Uncertain significance for Nance-Horan syndrome. Last evaluated: 2023-09-10. Review status: criteria provided, single submitter. Criteria: Invitae Variant Classification Sherloc (09022015). Collection method: clinical testing. Allele origin: germline.
Comment: In summary, the available evidence is currently insufficient to determine the role of this variant in disease. Therefore, it has been classified as a Variant of Uncertain Significance. Experimental studies and prediction algorithms are not available or were not evaluated, and the functional significance of this variant is currently unknown. This variant has not been reported in the literature in individuals affected with NHS-related conditions. This variant is not present in population databases (gnomAD no frequency). This variant, c.4375_4377del, results in the deletion of 1 amino acid(s) of the NHS protein (p.Ser1459del), but otherwise preserves the integrity of the reading frame.

NM_001291867.2(NHS):c.4429AGC[3] (p.Ser1480del)

Gene: NHS (NHS actin remodeling regulator; plus strand). Cytogenetic location: Xp22.13.
Variant type: Microsatellite.
Coding change: c.4429AGC[3] on transcript NM_001291867.2 (MANE Select); three copies in a row of the 3-base unit AGC starting at c.4429; the reference has four copies in a row; one copy, 3 bases deleted.
Protein change: p.Ser1480del; deletes serine 1480.
Molecular consequence: inframe deletion.
Genome position (GRCh38, 1-based): chrX:17,731,946-17,731,948, AGC deleted; deleting any 3 consecutive bases within chrX:17,731,937-17,731,948 gives the same sequence; the position shown is the placement nearest the transcript's 3' end. VCF-style (leftmost placement, unchanged base first): chrX-17731936-TAGC-T. GRCh37 (hg19) VCF-style: chrX-17750056-TAGC-T.
Other names: c.3898AGC[3], p.Ser1303del (NM_001136024.4); c.3835AGC[3], p.Ser1282del (NM_001291868.2); c.4366AGC[3], p.Ser1459del (NM_198270.4); short protein forms S1303del, S1459del, S1282del, S1480del.
Identifiers: ClinVar variation 2910032 (VCV002910032.3), dbSNP rs937601773, ClinGen allele CA326969096.